The following is an entry in ClinVar:

NM_001130698.2(TRPC3):c.1141C>T (p.Arg381Cys)

Gene: TRPC3 (transient receptor potential cation channel subfamily C member 3; minus strand). Cytogenetic location: 4q27.
Variant type: single nucleotide variant.
Coding change: c.1141C>T on transcript NM_001130698.2 (MANE Select); coding-DNA position 1141, C replaced by T.
Protein change: p.Arg381Cys; replaces arginine 381 with cysteine.
Molecular consequence: missense variant.
Genome position (GRCh38, 1-based): chr4:121,925,053, G>A on the plus strand (C>T on the coding strand, the complement: TRPC3 is on the minus strand). VCF-style: chr4-121925053-G-A. GRCh37 (hg19) VCF-style: chr4-122846208-G-A.
Other names: c.1141C>T, p.Arg381Cys (NM_001366479.2); c.922C>T, p.Arg308Cys (NM_003305.2); c.1141C>T (NM_001130698.1); short protein forms R381C, R308C.
Identifiers: ClinVar variation 2885257 (VCV002885257.4), dbSNP rs145694364, ClinGen allele CA3065023.
Genomic context (GRCh38, chr4:121,925,053, plus strand): 5'-ACTAGATGAAAGTAGGCCCACTCACCTTTTTGACTTCATACTTAATGGCAAGTTTGACAC[G>A]ACTTAATGAAGCTTTGTGCCTGTGTACCTCCAGAGGCTCTGCTGATTCCAGATCTCCATT-3'
Protein context (NP_001124170.1, residues 371-391): EVHRHKASLS[Arg381Cys]VKLAIKYEVK

ClinVar aggregate classification (germline): Uncertain significance. Review status: criteria provided, multiple submitters, no conflicts (2 of 4 stars). 2 submissions from 2 submitters: Uncertain significance (2). Last evaluated 2024-08-29.

Allele frequency attached by ClinVar (database versions not stated): gnomAD exomes 0.00002; ExAC 0.00003; ESP Exome Variant Server 0.00008; gnomAD 0.00009; TOPMed 0.00011; 1000 Genomes Project 30x 0.00016; 1000 Genomes Project 0.00020.

Submissions (2):

Ambry Genetics
Classification: Uncertain significance. Last evaluated: 2024-08-29. Review status: criteria provided, single submitter. Criteria: Ambry Variant Classification Scheme 2023. Collection method: clinical testing. Allele origin: germline.

Labcorp Genetics (formerly Invitae), Labcorp
Classification: Uncertain significance. Last evaluated: 2023-11-03. Review status: criteria provided, single submitter. Criteria: Invitae Variant Classification Sherloc (09022015). Collection method: clinical testing. Allele origin: germline.
Comment: This sequence change replaces arginine, which is basic and polar, with cysteine, which is neutral and slightly polar, at codon 381 of the TRPC3 protein (p.Arg381Cys). This variant is present in population databases (rs145694364, gnomAD 0.05%). This variant has not been reported in the literature in individuals affected with TRPC3-related conditions. Advanced modeling of protein sequence and biophysical properties (such as structural, functional, and spatial information, amino acid conservation, physicochemical variation, residue mobility, and thermodynamic stability) performed at Invitae indicates that this missense variant is expected to disrupt TRPC3 protein function with a positive predictive value of 80%. In summary, the available evidence is currently insufficient to determine the role of this variant in disease. Therefore, it has been classified as a Variant of Uncertain Significance.